The following is an entry in ClinVar:

ClinVar aggregate classification (germline): Uncertain significance (1 of 4 stars; one submission).

Conditions:
Ataxia-telangiectasia syndrome (AT). Also called: Cerebello-oculocutaneous telangiectasia; Immunodeficiency with ataxia telangiectasia; Ataxia-telangiectasia, complementation group D; Ataxia telangiectasia (A-T); ATAXIA-TELANGIECTASIA, COMPLEMENTATION GROUP A; ATAXIA-TELANGIECTASIA, FRESNO VARIANT. Identifiers: Orphanet 100, MedGen C0004135, MONDO:0008840, OMIM 208900.

Submission:

Labcorp Genetics (formerly Invitae), Labcorp
Classification: Uncertain significance for Ataxia-telangiectasia syndrome. Last evaluated: 2022-04-15. Review status: criteria provided, single submitter. Criteria: Invitae Variant Classification Sherloc (09022015). Collection method: clinical testing. Allele origin: germline.
Comment: This sequence change falls in intron 18 of the ATM gene. It does not directly change the encoded amino acid sequence of the ATM protein. This variant is not present in population databases (gnomAD no frequency). This variant has not been reported in the literature in individuals affected with ATM-related conditions. Algorithms developed to predict the effect of sequence changes on RNA splicing suggest that this variant may disrupt the consensus splice site. In summary, the available evidence is currently insufficient to determine the role of this variant in disease. Therefore, it has been classified as a Variant of Uncertain Significance.

NM_000051.4(ATM):c.2839-4_2839-3insCATTCAGGACATAGGCGTGGGCAAGGACTTCATGTCCAAAACACCAAAAGCAATGGCAACAAAAGACAAAATTGACAAATGGGATCTAATTAAACTAAAGAGCTTCTGCACAGCAAAAGAAACTACCATCAGAGTGAACAGGCAACCTACAACATGGGAGAAAATTTTTGCAACCTACTCATCTGACAAAGGGC

Gene: ATM (ATM serine/threonine kinase; plus strand). Cytogenetic location: 11q22.3.
Variant type: Insertion.
Coding change: c.2839-4_2839-3insCATTCAGGACATAGGCGTGGGCAAGGACTTCATGTCCAAAACACCAAAAGCAATGGCAACAAAAGACAAAATTGACAAATGGGATCTAATTAAACTAAAGAGCTTCTGCACAGCAAAAGAAACTACCATCAGAGTGAACAGGCAACCTACAACATGGGAGAAAATTTTTGCAACCTACTCATCTGACAAAGGGC on transcript NM_000051.4 (MANE Select); 4 bases into the intron before coding-DNA position 2839 through 3 bases into the intron before coding-DNA position 2839, CATTCAGGACATAGGCGTGGGCAAGGACTTCATGTCCAAAACACCAAAAGCAATGGCAACAAAAGACAAAATTGACAAATGGGATCTAATTAAACTAAAGAGCTTCTGCACAGCAAAAGAAACTACCATCAGAGTGAACAGGCAACCTACAACATGGGAGAAAATTTTTGCAACCTACTCATCTGACAAAGGGC inserted.
Molecular consequence: intron variant.
Genome position: GRCh38: chr11:108,271,060-108,271,061. GRCh37 (hg19): chr11:108,141,787-108,141,788.
Other names: c.2839-4_2839-3insCATTCAGGACATAGGCGTGGGCAAGGACTTCATGTCCAAAACACCAAAAGCAATGGCAACAAAAGACAAAATTGACAAATGGGATCTAATTAAACTAAAGAGCTTCTGCACAGCAAAAGAAACTACCATCAGAGTGAACAGGCAACCTACAACATGGGAGAAAATTTTTGCAACCTACTCATCTGACAAAGGGC (NM_001351834.2).
Identifiers: ClinVar variation 2126514 (VCV002126514.4), dbSNP rs1385217329, ClinGen allele CA2580083197.